The following is an entry in ClinVar:

NM_033305.3(VPS13A):c.2412del (p.Val805fs)

Gene: VPS13A (vacuolar protein sorting 13 homolog A; plus strand). Cytogenetic location: 9q21.2.
Variant type: Deletion.
Coding change: c.2412del on transcript NM_033305.3 (MANE Select); coding-DNA position 2412, one base deleted (T; older notation c.2412delT).
Protein change: p.Val805fs; shifts the reading frame from valine 805.
Molecular consequence: frameshift variant.
Genome position (GRCh38, 1-based): chr9:77,260,209, T deleted. VCF-style (leftmost placement, unchanged base first): chr9-77260208-CT-C. GRCh37 (hg19) VCF-style: chr9-79875124-CT-C.
Other names: c.2412del, p.Val805fs (NM_001018037.2, NM_001018038.3, NM_015186.4); short protein forms V805fs.
Identifiers: ClinVar variation 1388560 (VCV001388560.6), dbSNP rs2131293320, ClinGen allele CA2573144707.

ClinVar aggregate classification (germline): Pathogenic (1 of 4 stars; one submission).

Submission:

Labcorp Genetics (formerly Invitae), Labcorp
Classification: Pathogenic. Last evaluated: 2021-10-02. Review status: criteria provided, single submitter. Criteria: Invitae Variant Classification Sherloc (09022015). Collection method: clinical testing. Allele origin: germline.
Comment: This sequence change creates a premature translational stop signal (p.Val805Serfs*21) in the VPS13A gene. It is expected to result in an absent or disrupted protein product. Loss-of-function variants in VPS13A are known to be pathogenic (PMID: 12404112, 21598378). This variant is not present in population databases (ExAC no frequency). This variant has not been reported in the literature in individuals affected with VPS13A-related conditions. For these reasons, this variant has been classified as Pathogenic.

Literature cited by the submitters: PubMed 12404112; PubMed 21598378.